The following is an entry in ClinVar:

ClinVar aggregate classification (germline): Conflicting classifications of pathogenicity. Review status: criteria provided, conflicting classifications (1 of 4 stars). 2 submissions from 2 submitters: Uncertain significance (1); Likely benign (1). Last evaluated 2022-06-09.

Conditions:
Short-rib thoracic dysplasia 14 with polydactyly (SRTD14). Identifiers: Orphanet 397715, MedGen C4225286, MONDO:0014688, OMIM 616546.
Joubert syndrome 23 (JBTS23). Identifiers: Orphanet 475, MedGen C4084822, MONDO:0014664, OMIM 616490.

Allele frequency attached by ClinVar (database versions not stated): gnomAD 0.00001; TOPMed 0.00002; gnomAD exomes 0.00005; 1000 Genomes Project 30x 0.00016; ExAC 0.00017; 1000 Genomes Project 0.00020.
gnomAD v4.1: 67 of 1,608,464 alleles (0.0042%); highest among the groups gnomAD compares: South Asian, 0.07%; no homozygotes.

Submissions (2):

Labcorp Genetics (formerly Invitae), Labcorp
Classification: Uncertain significance for Joubert syndrome 23; Short-rib thoracic dysplasia 14 with polydactyly. Last evaluated: 2022-06-09. Review status: criteria provided, single submitter. Criteria: Invitae Variant Classification Sherloc (09022015). Collection method: clinical testing. Allele origin: germline.
Comment: In summary, the available evidence is currently insufficient to determine the role of this variant in disease. Therefore, it has been classified as a Variant of Uncertain Significance. Algorithms developed to predict the effect of missense changes on protein structure and function are either unavailable or do not agree on the potential impact of this missense change (SIFT: "Deleterious"; PolyPhen-2: "Benign"; Align-GVGD: "Class C0"). This variant has not been reported in the literature in individuals affected with KIAA0586-related conditions. This variant is present in population databases (rs562109482, gnomAD 0.06%). This sequence change replaces glutamine, which is neutral and polar, with leucine, which is neutral and non-polar, at codon 528 of the KIAA0586 protein (p.Gln528Leu).

Blueprint Genetics
Classification: Likely benign. Last evaluated: 2021-12-07. Review status: criteria provided, single submitter. Criteria: ACMG Guidelines, 2015. Collection method: clinical testing. Allele origin: germline.

NM_001329943.3(KIAA0586):c.1424A>T (p.Gln475Leu)

Gene: KIAA0586 (KIAA0586; plus strand). Cytogenetic location: 14q23.1.
Variant type: single nucleotide variant.
Coding change: c.1424A>T on transcript NM_001329943.3 (MANE Select); coding-DNA position 1424, A replaced by T.
Protein change: p.Gln475Leu; replaces glutamine 475 with leucine.
Molecular consequence: missense variant.
Genome position (GRCh38, 1-based): chr14:58,457,820, A>T. VCF-style: chr14-58457820-A-T. GRCh37 (hg19) VCF-style: chr14-58924538-A-T.
Other names: c.1583A>T, p.Gln528Leu (NM_001244189.2); c.1379A>T, p.Gln460Leu (NM_001244190.2); c.1169A>T, p.Gln390Leu (NM_001244191.2, NM_001329945.2, NM_001364700.1 and 1 more transcripts); c.1292A>T, p.Gln431Leu (NM_001244192.2); c.1004A>T, p.Gln335Leu (NM_001244193.2); c.1424A>T, p.Gln475Leu (NM_001329944.2, NM_001329946.2, NM_001329947.2 and 1 more transcripts); short protein forms Q390L, Q475L, Q335L, Q460L, Q528L, Q431L.
Identifiers: ClinVar variation 2080970 (VCV002080970.3), dbSNP rs562109482, ClinGen allele CA7205657.